The following is an entry in ClinVar:

ClinVar aggregate classification (germline): Uncertain significance (1 of 4 stars; one submission).

gnomAD v4.1: 1 of 1,472,514 alleles (0.000068%); highest among the groups gnomAD compares: South Asian, 0.0013%; no homozygotes.

Submission:

CeGaT Center for Human Genetics Tuebingen
Classification: Uncertain significance. Last evaluated: 2025-02-01. Review status: criteria provided, single submitter. Criteria: CeGaT Center For Human Genetics Tuebingen Variant Classification Criteria Version 2. Collection method: clinical testing. Allele origin: germline. Affected: yes. Observed: 1 variant allele.
Comment: CHRNA4: PM2

NM_000744.7(CHRNA4):c.64G>A (p.Gly22Ser)

Genes: CHRNA4 (cholinergic receptor nicotinic alpha 4 subunit; minus strand), LOC100130587 (uncharacterized LOC100130587; plus strand). Cytogenetic location: 20q13.33.
Variant type: single nucleotide variant.
Coding change: c.64G>A on transcript NM_000744.7 (MANE Select); coding-DNA position 64, G replaced by A.
Protein change: p.Gly22Ser; replaces glycine 22 with serine.
Molecular consequence: missense variant. On other transcripts: non-coding transcript variant (1), intron variant (1).
Genome position (GRCh38, 1-based): chr20:63,361,102, C>T on the plus strand (G>A on the coding strand, the complement: CHRNA4 is on the minus strand). VCF-style: chr20-63361102-C-T. GRCh37 (hg19) VCF-style: chr20-61992454-C-T.
Other names: c.-471+75G>A (NM_001256573.2); short protein forms G22S.
Identifiers: ClinVar variation 3772447 (VCV003772447.13).